The following is an entry in ClinVar:

NM_020708.5(SLC12A5):c.985G>A (p.Ala329Thr)

Gene: SLC12A5 (solute carrier family 12 member 5; plus strand). Cytogenetic location: 20q13.12.
Variant type: single nucleotide variant.
Coding change: c.985G>A on transcript NM_020708.5 (MANE Select); coding-DNA position 985, G replaced by A.
Protein change: p.Ala329Thr; replaces alanine 329 with threonine.
Molecular consequence: missense variant.
Genome position (GRCh38, 1-based): chr20:46,041,459, G>A. VCF-style: chr20-46041459-G-A. GRCh37 (hg19) VCF-style: chr20-44670098-G-A.
Other names: c.1054G>A, p.Ala352Thr (NM_001134771.2); short protein forms A329T, A352T.
Identifiers: ClinVar variation 1370096 (VCV001370096.3), dbSNP rs767192319, ClinGen allele CA409190442.
Genomic context (GRCh38, chr20:46,041,459, plus strand): 5'-GGAAATGAGACGGTGACCACACGGCTATGGGGCCTTTTCTGCTCCTCTCGCTTCCTCAAC[G>A]CCACCTGTGATGAATACTTCACCCGAAACAATGTCACAGAGATCCAGGGCATCCCTGGTG-3'
Protein context (NP_065759.1, residues 319-339): GLFCSSRFLN[Ala329Thr]TCDEYFTRNN

ClinVar aggregate classification (germline): Uncertain significance (1 of 4 stars; one submission).

Conditions:
Developmental and epileptic encephalopathy, 34 (DEE34). Also called: Early infantile epileptic encephalopathy 34; SLC12A5-Related Epilepsy of Infancy with Migrating Focal Seizures. Identifiers: Orphanet 293181, MedGen C4225257, MONDO:0014718, OMIM 616645.

Allele frequency attached by ClinVar (database versions not stated): gnomAD 0.00001; TOPMed 0.00001.
gnomAD v4.1: 2 of 1,613,896 alleles (0.00012%); highest among the groups gnomAD compares: African/African-American, 0.0013%; no homozygotes.

Submission:

Labcorp Genetics (formerly Invitae), Labcorp
Classification: Uncertain significance for Developmental and epileptic encephalopathy, 34. Last evaluated: 2022-07-29. Review status: criteria provided, single submitter. Criteria: Invitae Variant Classification Sherloc (09022015). Collection method: clinical testing. Allele origin: germline.
Comment: This sequence change replaces alanine, which is neutral and non-polar, with threonine, which is neutral and polar, at codon 329 of the SLC12A5 protein (p.Ala329Thr). This variant is not present in population databases (gnomAD no frequency). This variant has not been reported in the literature in individuals affected with SLC12A5-related conditions. ClinVar contains an entry for this variant (Variation ID: 1370096). Advanced modeling of protein sequence and biophysical properties (such as structural, functional, and spatial information, amino acid conservation, physicochemical variation, residue mobility, and thermodynamic stability) performed at Invitae indicates that this missense variant is not expected to disrupt SLC12A5 protein function. In summary, the available evidence is currently insufficient to determine the role of this variant in disease. Therefore, it has been classified as a Variant of Uncertain Significance.